The following is an entry in ClinVar:

NM_000441.2(SLC26A4):c.2233del (p.Thr745fs)

Gene: SLC26A4 (solute carrier family 26 member 4; plus strand). Cytogenetic location: 7q22.3.
Variant type: Deletion.
Coding change: c.2233del on transcript NM_000441.2 (MANE Select); coding-DNA position 2233, one base deleted (A; older notation c.2233delA).
Protein change: p.Thr745fs; shifts the reading frame from threonine 745.
Molecular consequence: frameshift variant.
Genome position (GRCh38, 1-based): chr7:107,710,197, A deleted; the last of 3 consecutive A bases (chr7:107,710,195-107,710,197); deleting any one gives the same sequence. VCF-style (leftmost placement, unchanged base first): chr7-107710194-GA-G. GRCh37 (hg19) VCF-style: chr7-107350639-GA-G.
Other names: short protein forms T745fs.
Identifiers: ClinVar variation 3601766 (VCV003601766.1).

ClinVar aggregate classification (germline): Pathogenic (1 of 4 stars; one submission).

Conditions:
Autosomal recessive nonsyndromic hearing loss 4 (DFNB4). Also called: Deafness, autosomal recessive 4; FOXI1-Related Pendred Syndrome; KCNJ10-Related Pendred Syndrome; DEAFNESS, AUTOSOMAL RECESSIVE 4, WITH ENLARGED VESTIBULAR AQUEDUCT, DIGENIC; NEUROSENSORY NONSYNDROMIC RECESSIVE DEAFNESS 4; Nonsyndromic enlarged vestibular aqueduct (NSEVA). Identifiers: Orphanet 90636, MedGen C3538946, MONDO:0010933, OMIM 600791.

Submission:

Institute of Rare Diseases, West China Hospital, Sichuan University
Classification: Pathogenic for Autosomal recessive nonsyndromic hearing loss 4. Last evaluated: 2025-01-09. Review status: criteria provided, single submitter. Criteria: ClinGen HL ACMG Specifications v1. Collection method: research. Allele origin: germline. Affected: yes.
Comment: PVS1;PM3;PP1;PP4;PM2_Supporting